The following is an entry in ClinVar:

ClinVar aggregate classification (germline): Benign/Likely benign. Review status: criteria provided, multiple submitters, no conflicts (2 of 4 stars). 2 submissions from 2 submitters: Benign (1); Likely benign (1). Last evaluated 2024-12-27.

Conditions:
Lynch syndrome 5 (LYNCH5). Also called: Colorectal cancer, hereditary nonpolyposis, type 5; Hereditary non-polyposis colorectal cancer, type 5. Identifiers: Orphanet 144, MedGen C1833477, MONDO:0013710, OMIM 614350. Disease mechanism: loss of function.
Hereditary cancer-predisposing syndrome. Also called: Neoplastic Syndromes, Hereditary; Tumor predisposition; Hereditary neoplastic syndrome; Hereditary Cancer Syndrome. Identifiers: Orphanet 140162, MedGen C0027672, MeSH D009386, MONDO:0015356.

Submissions (2):

Myriad Genetics, Inc.
Classification: Benign for Lynch syndrome 5. Last evaluated: 2024-12-27. Review status: criteria provided, single submitter. Criteria: Myriad Autosomal Dominant, Autosomal Recessive and X-Linked Classification Criteria (2023). Collection method: clinical testing. Allele origin: unknown.
Comment: This variant is considered benign. This variant is a silent/synonymous amino acid change and it is not expected to impact splicing.

Ambry Genetics
Classification: Likely benign for Hereditary cancer-predisposing syndrome. Last evaluated: 2023-10-12. Review status: criteria provided, single submitter. Criteria: Ambry Variant Classification Scheme 2023. Collection method: clinical testing. Allele origin: germline.

NM_000179.3(MSH6):c.1647T>G (p.Ser549=)

Gene: MSH6 (mutS homolog 6; plus strand). Cytogenetic location: 2p16.3.
Variant type: single nucleotide variant.
Coding change: c.1647T>G on transcript NM_000179.3 (MANE Select); coding-DNA position 1647, T replaced by G.
Protein change: p.Ser549=; no amino-acid change (serine 549 retained).
Molecular consequence: synonymous variant. On other transcripts: non-coding transcript variant (4), intron variant (2).
Genome position (GRCh38, 1-based): chr2:47,799,630, T>G. VCF-style: chr2-47799630-T-G. GRCh37 (hg19) VCF-style: chr2-48026769-T-G.
Other names: c.1257T>G, p.Ser419= (NM_001281492.2); c.741T>G, p.Ser247= (NM_001281493.2, NM_001281494.2, NM_001406811.1 and 6 more transcripts); c.1743T>G, p.Ser581= (NM_001406795.1, NM_001406802.1); c.1647T>G, p.Ser549= (NM_001406796.1, NM_001406798.1, NM_001406800.1 and 3 more transcripts); c.1350T>G, p.Ser450= (NM_001406797.1, NM_001406801.1, NM_001406805.1 and 10 more transcripts); c.1122T>G, p.Ser374= (NM_001406799.1, NM_001406806.1, NM_001406807.1); c.1569T>G, p.Ser523= (NM_001406804.1); c.1653T>G, p.Ser551= (NM_001406813.1); and 3 more.
Identifiers: ClinVar variation 3230511 (VCV003230511.2), dbSNP rs2104358212, ClinGen allele CA426121459.